The following is an entry in ClinVar:

ClinVar aggregate classification (germline): Uncertain significance. Review status: criteria provided, multiple submitters, no conflicts (2 of 4 stars). 2 submissions from 2 submitters: Uncertain significance (2). Last evaluated 2025-03-20.

Conditions:
Hereditary cancer-predisposing syndrome. Also called: Hereditary neoplastic syndrome; Neoplastic Syndromes, Hereditary; Hereditary Cancer Syndrome; Tumor predisposition. Identifiers: Orphanet 140162, MedGen C0027672, MeSH D009386, MONDO:0015356.

Submissions (2):

Ambry Genetics
Classification: Uncertain significance for Hereditary cancer-predisposing syndrome. Last evaluated: 2025-03-20. Review status: criteria provided, single submitter. Criteria: Ambry Variant Classification Scheme 2023. Collection method: clinical testing. Allele origin: germline.
Comment: The p.G11R variant (also known as c.31G>A), located in coding exon 1 of the XRCC2 gene, results from a G to A substitution at nucleotide position 31. The glycine at codon 11 is replaced by arginine, an amino acid with dissimilar properties. This amino acid position is conserved. In addition, the in silico prediction for this alteration is inconclusive. Based on the available evidence, the clinical significance of this variant remains unclear.

Labcorp Genetics (formerly Invitae), Labcorp
Classification: Uncertain significance. Last evaluated: 2022-03-24. Review status: criteria provided, single submitter. Criteria: Invitae Variant Classification Sherloc (09022015). Collection method: clinical testing. Allele origin: germline.
Comment: Algorithms developed to predict the effect of missense changes on protein structure and function are either unavailable or do not agree on the potential impact of this missense change (SIFT: "Deleterious"; PolyPhen-2: "Benign"; Align-GVGD: "Class C0"). In summary, the available evidence is currently insufficient to determine the role of this variant in disease. Therefore, it has been classified as a Variant of Uncertain Significance. This variant has not been reported in the literature in individuals affected with XRCC2-related conditions. This variant is not present in population databases (gnomAD no frequency). This sequence change replaces glycine, which is neutral and non-polar, with arginine, which is basic and polar, at codon 11 of the XRCC2 protein (p.Gly11Arg).

NM_005431.2(XRCC2):c.31G>A (p.Gly11Arg)

Gene: XRCC2 (X-ray repair cross complementing 2; minus strand). Cytogenetic location: 7q36.1.
Variant type: single nucleotide variant.
Coding change: c.31G>A on transcript NM_005431.2 (MANE Select); coding-DNA position 31, G replaced by A.
Protein change: p.Gly11Arg; replaces glycine 11 with arginine.
Molecular consequence: missense variant.
Genome position (GRCh38, 1-based): chr7:152,676,049, C>T on the plus strand (G>A on the coding strand, the complement: XRCC2 is on the minus strand). VCF-style: chr7-152676049-C-T. GRCh37 (hg19) VCF-style: chr7-152373134-C-T.
Other names: c.31G>A (NM_005431.1); short protein forms G11R.
Identifiers: ClinVar variation 2166428 (VCV002166428.5), dbSNP rs746259775, ClinGen allele CA370199586.